The following is an entry in ClinVar:

ClinVar aggregate classification (germline): Benign/Likely benign. Review status: criteria provided, multiple submitters, no conflicts (2 of 4 stars). 3 submissions from 3 submitters: Benign (1); Likely benign (2). Last evaluated 2025-11-18.

Conditions:
Inborn genetic diseases. Identifiers: MedGen C0950123, MeSH D030342.

Allele frequency attached by ClinVar (database versions not stated): TOPMed 0.00001; gnomAD 0.00004.

Submissions (3):

Women's Health and Genetics/Laboratory Corporation of America, LabCorp
Classification: Likely benign. Last evaluated: 2025-11-18. Review status: criteria provided, single submitter. Criteria: LabCorp Variant Classification Summary - May 2015. Collection method: clinical testing. Allele origin: germline.
Comment: Variant summary: AMER1 c.1877G>A (p.Arg626Gln) results in a conservative amino acid change in the encoded protein sequence. Algorithms developed to predict the effect of missense changes on protein structure and function all suggest that this variant is likely to be tolerated. The variant allele was found at a frequency of 1.9e-05 in 1210201 control chromosomes including 7 hemizygotes. This frequency is not significantly higher than estimated for disease-causing variants in AMER1, allowing no conclusion about variant significance. To our knowledge, no occurrence of c.1877G>A in individuals affected with AMER1-related conditions and no experimental evidence demonstrating its impact on protein function have been reported. ClinVar contains an entry for this variant (Variation ID: 2154743). Based on the evidence outlined above, the variant was classified as likely benign.

Ambry Genetics
Classification: Likely benign for Inborn genetic diseases. Last evaluated: 2025-08-12. Review status: criteria provided, single submitter. Criteria: Ambry Variant Classification Scheme 2023. Collection method: clinical testing. Allele origin: germline.

Labcorp Genetics (formerly Invitae), Labcorp
Classification: Benign. Last evaluated: 2023-08-30. Review status: criteria provided, single submitter. Criteria: Invitae Variant Classification Sherloc (09022015). Collection method: clinical testing. Allele origin: germline.

NM_152424.4(AMER1):c.1877G>A (p.Arg626Gln)

Gene: AMER1 (APC membrane recruitment protein 1; minus strand). Cytogenetic location: Xq11.2.
Variant type: single nucleotide variant.
Coding change: c.1877G>A on transcript NM_152424.4 (MANE Select); coding-DNA position 1877, G replaced by A.
Protein change: p.Arg626Gln; replaces arginine 626 with glutamine.
Molecular consequence: missense variant.
Genome position (GRCh38, 1-based): chrX:64,191,410, C>T on the plus strand (G>A on the coding strand, the complement: AMER1 is on the minus strand). VCF-style: chrX-64191410-C-T. GRCh37 (hg19) VCF-style: chrX-63411290-C-T.
Other names: c.1877G>A (NM_152424.3); short protein forms R626Q.
Identifiers: ClinVar variation 2154743 (VCV002154743.6), dbSNP rs1370170733, ClinGen allele CA413305961.
Genomic context (GRCh38, chrX:64,191,410, plus strand): 5'-CGGGCCTGGGTCTCTCGGACTTGAGTCTCTCTACAACGAACCTCTCGGGCCTGGGCTTCT[C>T]GGGTTCTGGCCTCCCTGCCATGAGCTTCCCAAGTGTGGGCCTCCCTGGCATAGGCTTCCC-3'
Protein context (NP_689637.3, residues 616-636): WEAHGREART[Arg626Gln]EAQAREVRCR